The following is an entry in ClinVar:

ClinVar aggregate classification (germline): Uncertain significance (1 of 4 stars; one submission).

Allele frequency attached by ClinVar (database versions not stated): gnomAD exomes below 0.00001 and 0.00001; TOPMed below 0.00001; ExAC 0.00002.
gnomAD v4.1: 10 of 1,613,082 alleles (0.00062%); highest among the groups gnomAD compares: East Asian, 0.0022%; no homozygotes.

Submission:

GeneDx
Classification: Uncertain significance. Last evaluated: 2026-01-29. Review status: criteria provided, single submitter. Criteria: GeneDx Variant Classification Process June 2021. Collection method: clinical testing. Allele origin: germline. Affected: yes.
Comment: In silico analysis supports that this missense variant has a deleterious effect on protein structure/function; Has not been previously published as pathogenic or benign to our knowledge

NM_052867.4(NALCN):c.3037G>A (p.Gly1013Ser)

Gene: NALCN (sodium leak channel, non-selective; minus strand). Cytogenetic location: 13q33.1.
Variant type: single nucleotide variant.
Coding change: c.3037G>A on transcript NM_052867.4 (MANE Select); coding-DNA position 3037, G replaced by A.
Protein change: p.Gly1013Ser; replaces glycine 1013 with serine.
Molecular consequence: missense variant.
Genome position (GRCh38, 1-based): chr13:101,103,192, C>T on the plus strand (G>A on the coding strand, the complement: NALCN is on the minus strand). VCF-style: chr13-101103192-C-T. GRCh37 (hg19) VCF-style: chr13-101755543-C-T.
Other names: c.3124G>A, p.Gly1042Ser (NM_001350748.2); c.3037G>A, p.Gly1013Ser (NM_001350749.2); c.2950G>A, p.Gly984Ser (NM_001350750.2, NM_001350751.2); short protein forms G1013S, G1042S, G984S.
Identifiers: ClinVar variation 1197724 (VCV001197724.4), dbSNP rs773376286, ClinGen allele CA7035521.